The following is an entry in ClinVar:

ClinVar aggregate classification (germline): Uncertain significance (1 of 4 stars; one submission).

Allele frequency attached by ClinVar (database versions not stated): gnomAD exomes below 0.00001; ExAC 0.00001.
gnomAD v4.1: 20 of 1,599,000 alleles (0.0013%); highest among the groups gnomAD compares: Non-Finnish European, 0.0017%; no homozygotes.

Submission:

Labcorp Genetics (formerly Invitae), Labcorp
Classification: Uncertain significance. Last evaluated: 2020-11-14. Review status: criteria provided, single submitter. Criteria: Invitae Variant Classification Sherloc (09022015). Collection method: clinical testing. Allele origin: germline.
Comment: This sequence change replaces proline with serine at codon 369 of the SLC34A3 protein (p.Pro369Ser). The proline residue is highly conserved and there is a moderate physicochemical difference between proline and serine. This variant is present in population databases (rs775994027, ExAC 0.002%). This variant has not been reported in the literature in individuals with SLC34A3-related conditions. Algorithms developed to predict the effect of missense changes on protein structure and function are either unavailable or do not agree on the potential impact of this missense change (SIFT: "Tolerated"; PolyPhen-2: "Probably Damaging"; Align-GVGD: "Class C15"). In summary, the available evidence is currently insufficient to determine the role of this variant in disease. Therefore, it has been classified as a Variant of Uncertain Significance.

NM_001177316.2(SLC34A3):c.1105C>T (p.Pro369Ser)

Gene: SLC34A3 (solute carrier family 34 member 3; plus strand). Cytogenetic location: 9q34.3.
Variant type: single nucleotide variant.
Coding change: c.1105C>T on transcript NM_001177316.2 (MANE Select); coding-DNA position 1105, C replaced by T.
Protein change: p.Pro369Ser; replaces proline 369 with serine.
Molecular consequence: missense variant.
Genome position (GRCh38, 1-based): chr9:137,234,427, C>T. VCF-style: chr9-137234427-C-T. GRCh37 (hg19) VCF-style: chr9-140128879-C-T.
Other names: c.1105C>T, p.Pro369Ser (NM_001177317.2, NM_080877.3); short protein forms P369S.
Identifiers: ClinVar variation 1476982 (VCV001476982.8), dbSNP rs775994027, ClinGen allele CA5364799.